The following is an entry in ClinVar:

NM_001365631.1(CLASP2):c.2616T>C (p.Asn872=)

Gene: CLASP2 (cytoplasmic linker associated protein 2; minus strand). Cytogenetic location: 3p22.3.
Variant type: single nucleotide variant.
Coding change: c.2616T>C on transcript NM_001365631.1 (MANE Select); coding-DNA position 2616, T replaced by C.
Protein change: p.Asn872=; no amino-acid change (asparagine 872 retained).
Molecular consequence: synonymous variant.
Genome position (GRCh38, 1-based): chr3:33,573,193, A>G on the plus strand (T>C on the coding strand, the complement: CLASP2 is on the minus strand). VCF-style: chr3-33573193-A-G. GRCh37 (hg19) VCF-style: chr3-33614685-A-G.
Other names: c.1980T>C, p.Asn660= (NM_001207044.3, NM_001400409.1, NM_001400425.1); c.2679T>C, p.Asn893= (NM_001365627.1, NM_001375694.1); c.2706T>C, p.Asn902= (NM_001365628.1); c.2703T>C, p.Asn901= (NM_001365629.1); c.2574T>C, p.Asn858= (NM_001365630.1, NM_001365634.1, NM_001375705.1 and 1 more transcripts); c.2616T>C, p.Asn872= (NM_001365632.1); c.2577T>C, p.Asn859= (NM_001365633.1, NM_001375703.1); c.2655T>C, p.Asn885= (NM_001375697.1); and 31 more.
Identifiers: ClinVar variation 3039103 (VCV003039103.2), dbSNP rs375259194, ClinGen allele CA2302467.

ClinVar aggregate classification (germline): Likely benign (0 of 4 stars; one submission).

Conditions:
CLASP2-related disorder. Also called: CLASP2-related condition.

Allele frequency attached by ClinVar (database versions not stated): TOPMed 0.00018; gnomAD 0.00021; gnomAD exomes 0.00023; ESP Exome Variant Server 0.00033; ExAC 0.00046.
gnomAD v4.1: 361 of 1,613,754 alleles (0.022%); highest among the groups gnomAD compares: Non-Finnish European, 0.028%; no homozygotes.

Submission:

PreventionGenetics, part of Exact Sciences
Classification: Likely benign for CLASP2-related condition. Last evaluated: 2019-05-23. Review status: no assertion criteria provided. Collection method: clinical testing. Allele origin: germline.
Comment: This variant is classified as likely benign based on ACMG/AMP sequence variant interpretation guidelines (Richards et al. 2015 PMID: 25741868, with internal and published modifications).